The following is an entry in ClinVar:

ClinVar aggregate classification (germline): Uncertain significance. Review status: criteria provided, multiple submitters, no conflicts (2 of 4 stars). 2 submissions from 2 submitters: Uncertain significance (2). Last evaluated 2025-05-01.

Allele frequency attached by ClinVar (database versions not stated): gnomAD exomes 0.00001 and 0.00002; ExAC 0.00002; gnomAD 0.00002; TOPMed 0.00002; ESP Exome Variant Server 0.00008.
gnomAD v4.1: 23 of 1,614,072 alleles (0.0014%); highest among the groups gnomAD compares: Middle Eastern, 0.016%; no homozygotes.

Submissions (2):

CeGaT Center for Human Genetics Tuebingen
Classification: Uncertain significance. Last evaluated: 2025-05-01. Review status: criteria provided, single submitter. Criteria: CeGaT Center For Human Genetics Tuebingen Variant Classification Criteria Version 2. Collection method: clinical testing. Allele origin: germline. Affected: yes. Observed: 1 variant allele.
Comment: LONP1: PM2

Labcorp Genetics (formerly Invitae), Labcorp
Classification: Uncertain significance. Last evaluated: 2022-07-12. Review status: criteria provided, single submitter. Criteria: Invitae Variant Classification Sherloc (09022015). Collection method: clinical testing. Allele origin: germline.
Comment: This sequence change replaces valine, which is neutral and non-polar, with isoleucine, which is neutral and non-polar, at codon 434 of the LONP1 protein (p.Val434Ile). This variant is present in population databases (rs372513902, gnomAD 0.004%). This variant has not been reported in the literature in individuals affected with LONP1-related conditions. ClinVar contains an entry for this variant (Variation ID: 1362653). Algorithms developed to predict the effect of missense changes on protein structure and function (SIFT, PolyPhen-2, Align-GVGD) all suggest that this variant is likely to be tolerated. In summary, the available evidence is currently insufficient to determine the role of this variant in disease. Therefore, it has been classified as a Variant of Uncertain Significance.

NM_004793.4(LONP1):c.1300G>A (p.Val434Ile)

Gene: LONP1 (lon peptidase 1, mitochondrial; minus strand). Cytogenetic location: 19p13.3.
Variant type: single nucleotide variant.
Coding change: c.1300G>A on transcript NM_004793.4 (MANE Select); coding-DNA position 1300, G replaced by A.
Protein change: p.Val434Ile; replaces valine 434 with isoleucine.
Molecular consequence: missense variant. On other transcripts: non-coding transcript variant (1).
Genome position (GRCh38, 1-based): chr19:5,705,839, C>T on the plus strand (G>A on the coding strand, the complement: LONP1 is on the minus strand). VCF-style: chr19-5705839-C-T. GRCh37 (hg19) VCF-style: chr19-5705850-C-T.
Other names: c.1108G>A, p.Val370Ile (NM_001276479.2); c.712G>A, p.Val238Ile (NM_001276480.1); short protein forms V434I, V238I, V370I.
Identifiers: ClinVar variation 1362653 (VCV001362653.18), dbSNP rs372513902, ClinGen allele CA9114752.